The following is an entry in ClinVar:

NM_014112.5(TRPS1):c.1877A>G (p.Lys626Arg)

Gene: TRPS1 (transcriptional repressor GATA binding 1; minus strand). Cytogenetic location: 8q23.3.
Variant type: single nucleotide variant.
Coding change: c.1877A>G on transcript NM_014112.5 (MANE Select); coding-DNA position 1877, A replaced by G.
Protein change: p.Lys626Arg; replaces lysine 626 with arginine.
Molecular consequence: missense variant.
Genome position (GRCh38, 1-based): chr8:115,604,092, T>C on the plus strand (A>G on the coding strand, the complement: TRPS1 is on the minus strand). VCF-style: chr8-115604092-T-C. GRCh37 (hg19) VCF-style: chr8-116616319-T-C.
Other names: c.1850A>G, p.Lys617Arg (NM_001282902.3); c.1856A>G, p.Lys619Arg (NM_001282903.3); c.1838A>G, p.Lys613Arg (NM_001330599.2); short protein forms K613R, K617R, K626R, K619R.
Identifiers: ClinVar variation 1942231 (VCV001942231.5), dbSNP rs765016882, ClinGen allele CA4851756.

ClinVar aggregate classification (germline): Uncertain significance (1 of 4 stars; one submission).

Conditions:
Trichorhinophalangeal dysplasia type I (TRPS1). Also called: TRPS I; TRICHORHINOPHALANGEAL SYNDROME, TYPE I. Identifiers: Orphanet 77258, MedGen C0432233, MONDO:0008596, OMIM 190350.
Trichorhinophalangeal syndrome, type III (TRPS3). Also called: SUGIO-KAJII SYNDROME. Identifiers: Orphanet 77258, MedGen C1860823, OMIM 190351, MONDO:0008597.

Allele frequency attached by ClinVar (database versions not stated): gnomAD exomes below 0.00001; ExAC 0.00001.
gnomAD v4.1: 2 of 1,614,066 alleles (0.00012%); highest among the groups gnomAD compares: Non-Finnish European, 0.00017%; no homozygotes.

Submission:

Labcorp Genetics (formerly Invitae), Labcorp
Classification: Uncertain significance for Trichorhinophalangeal syndrome, type III; Trichorhinophalangeal dysplasia type I. Last evaluated: 2023-04-24. Review status: criteria provided, single submitter. Criteria: Invitae Variant Classification Sherloc (09022015). Collection method: clinical testing. Allele origin: germline.
Comment: Advanced modeling of protein sequence and biophysical properties (such as structural, functional, and spatial information, amino acid conservation, physicochemical variation, residue mobility, and thermodynamic stability) performed at Invitae indicates that this missense variant is not expected to disrupt TRPS1 protein function. This sequence change replaces lysine, which is basic and polar, with arginine, which is basic and polar, at codon 626 of the TRPS1 protein (p.Lys626Arg). This variant is present in population databases (rs765016882, gnomAD 0.002%). This variant has not been reported in the literature in individuals affected with TRPS1-related conditions. ClinVar contains an entry for this variant (Variation ID: 1942231). In summary, the available evidence is currently insufficient to determine the role of this variant in disease. Therefore, it has been classified as a Variant of Uncertain Significance.